The following is an entry in ClinVar:

ClinVar aggregate classification (germline): Uncertain significance. Review status: criteria provided, multiple submitters, no conflicts (2 of 4 stars). 2 submissions from 2 submitters: Uncertain significance (2). Last evaluated 2025-07-30.

Conditions:
Hereditary cancer-predisposing syndrome. Also called: Hereditary Cancer Syndrome; Neoplastic Syndromes, Hereditary; Hereditary neoplastic syndrome; Tumor predisposition. Identifiers: Orphanet 140162, MedGen C0027672, MeSH D009386, MONDO:0015356.
Microcephaly, normal intelligence and immunodeficiency (NBS). Also called: Nijmegen breakage syndrome; Microcephaly with normal intelligence immunodeficiency and lymphoreticular malignancies; Nonsyndromal microcephaly autosomal recessive with normal intelligence; Seemanova syndrome 2; Immunodeficiency, microcephaly with normal intelligence; Ataxia telangiectasia variant V1. Identifiers: Orphanet 647, MedGen C0398791, MONDO:0009623, OMIM 251260.

Allele frequency attached by ClinVar (database versions not stated): gnomAD exomes below 0.00001; ExAC 0.00001.
gnomAD v4.1: 2 of 1,594,532 alleles (0.00013%); highest among the groups gnomAD compares: Middle Eastern, 0.018%; no homozygotes.

Submissions (2):

Labcorp Genetics (formerly Invitae), Labcorp
Classification: Uncertain significance for Microcephaly, normal intelligence and immunodeficiency. Last evaluated: 2025-07-30. Review status: criteria provided, single submitter. Criteria: Invitae Variant Classification Sherloc (09022015). Collection method: clinical testing. Allele origin: germline.
Comment: This sequence change replaces phenylalanine, which is neutral and non-polar, with leucine, which is neutral and non-polar, at codon 685 of the NBN protein (p.Phe685Leu). This variant is present in population databases (rs768715280, gnomAD 0.0009%). This variant has not been reported in the literature in individuals affected with NBN-related conditions. ClinVar contains an entry for this variant (Variation ID: 820608). An algorithm developed to predict the effect of missense changes on protein structure and function (PolyPhen-2) suggests that this variant is likely to be disruptive. In summary, the available evidence is currently insufficient to determine the role of this variant in disease. Therefore, it has been classified as a Variant of Uncertain Significance.

Ambry Genetics
Classification: Uncertain significance for Hereditary cancer-predisposing syndrome. Last evaluated: 2023-01-31. Review status: criteria provided, single submitter. Criteria: Ambry Variant Classification Scheme 2023. Collection method: clinical testing. Allele origin: germline.
Comment: The p.F685L variant (also known as c.2053T>C), located in coding exon 13 of the NBN gene, results from a T to C substitution at nucleotide position 2053. The phenylalanine at codon 685 is replaced by leucine, an amino acid with highly similar properties. This amino acid position is highly conserved in available vertebrate species. In addition, the in silico prediction for this alteration is inconclusive. Since supporting evidence is limited at this time, the clinical significance of this alteration remains unclear.

NM_002485.5(NBN):c.2053T>C (p.Phe685Leu)

Gene: NBN (nibrin; minus strand). Cytogenetic location: 8q21.3.
Variant type: single nucleotide variant.
Coding change: c.2053T>C on transcript NM_002485.5 (MANE Select); coding-DNA position 2053, T replaced by C.
Protein change: p.Phe685Leu; replaces phenylalanine 685 with leucine.
Molecular consequence: missense variant.
Genome position (GRCh38, 1-based): chr8:89,946,157, A>G on the plus strand (T>C on the coding strand, the complement: NBN is on the minus strand). VCF-style: chr8-89946157-A-G. GRCh37 (hg19) VCF-style: chr8-90958385-A-G.
Other names: c.1807T>C, p.Phe603Leu (NM_001024688.3); short protein forms F685L, F603L.
Identifiers: ClinVar variation 820608 (VCV000820608.7), dbSNP rs768715280, ClinGen allele CA4802627.